The following is an entry in ClinVar:

NM_001267550.2(TTN):c.61770G>A (p.Trp20590Ter)

Genes: TTN (titin; minus strand), TTN-AS1 (TTN antisense RNA 1; plus strand). Cytogenetic location: 2q31.2.
Variant type: single nucleotide variant.
Coding change: c.61770G>A on transcript NM_001267550.2 (MANE Select); coding-DNA position 61770, G replaced by A.
Protein change: p.Trp20590Ter; replaces tryptophan 20590 with a stop codon.
Molecular consequence: nonsense.
Genome position (GRCh38, 1-based): chr2:178,589,955, C>T on the plus strand (G>A on the coding strand, the complement: TTN is on the minus strand). VCF-style: chr2-178589955-C-T. GRCh37 (hg19) VCF-style: chr2-179454682-C-T.
Other names: c.56847G>A, p.Trp18949Ter (NM_001256850.1); c.34575G>A, p.Trp11525Ter (NM_003319.4); c.54066G>A, p.Trp18022Ter (NM_133378.4); c.34950G>A, p.Trp11650Ter (NM_133432.3); c.35151G>A, p.Trp11717Ter (NM_133437.4); short protein forms W11650*, W18022*, W11525*, W20590*, W11717*, W18949*.
Identifiers: ClinVar variation 1731597 (VCV001731597.2), dbSNP rs2469415251, ClinGen allele CA349469191.

ClinVar aggregate classification (germline): Likely pathogenic (1 of 4 stars; one submission).

Conditions:
Cardiovascular phenotype. Identifiers: MedGen CN230736.

Submission:

Ambry Genetics
Classification: Likely pathogenic for Cardiovascular phenotype. Last evaluated: 2022-10-17. Review status: criteria provided, single submitter. Criteria: Ambry Variant Classification Scheme 2023. Collection method: clinical testing. Allele origin: germline.
Comment: The p.W11525* variant (also known as c.34575G>A), located in coding exon 131 of the TTN gene, results from a G to A substitution at nucleotide position 34575. This changes the amino acid from a tryptophan to a stop codon within coding exon 131. This exon is located in the A-band region of the N2-B isoform of the titin protein and is constitutively expressed in TTN transcripts (percent spliced in or PSI 100%). This variant is considered to be rare based on population cohorts in the Genome Aggregation Database (gnomAD). This alteration is expected to result in loss of function by premature protein truncation or nonsense-mediated mRNA decay. While truncating variants in TTN are present in 1-3% of the general population, truncating variants in the A-band are the most common cause of dilated cardiomyopathy (DCM) (Herman DS et al. N. Engl. J. Med., 2012 Feb;366:619-28; Roberts AM et al. Sci Transl Med, 2015 Jan;7:270ra6). TTN truncating variants encoded in constitutive exons (PSI >90%) have been found to be significantly associated with DCM regardless of their position in titin (Schafer S et al. Nat. Genet., 2017 01;49:46-53). Based on the majority of available evidence to date, this variant is likely to be pathogenic.

Literature cited by the submitters: PubMed 33106378.